The following is an entry in ClinVar:

NM_001378778.1(MPDZ):c.1474+10T>G

Gene: MPDZ (multiple PDZ domain crumbs cell polarity complex component; minus strand). Cytogenetic location: 9p23.
Variant type: single nucleotide variant.
Coding change: c.1474+10T>G on transcript NM_001378778.1 (MANE Select); 10 bases into the intron after coding-DNA position 1474, T replaced by G.
Molecular consequence: intron variant.
Genome position (GRCh38, 1-based): chr9:13,205,906, A>C on the plus strand (T>G on the coding strand, the complement: MPDZ is on the minus strand). VCF-style: chr9-13205906-A-C. GRCh37 (hg19) VCF-style: chr9-13205905-A-C.
Other names: c.1474+10T>G (NM_001375425.1, NM_001375420.1, NM_001375419.1 and 15 more transcripts).
Identifiers: ClinVar variation 1546895 (VCV001546895.10), dbSNP rs142011477, ClinGen allele CA4987771.
Genomic context (GRCh38, chr9:13,205,906, plus strand): 5'-ACTTTGGAATTTAAAAAAAATTGGAGACAATATAAAGGTCTAACTAAAAACCAGATTAAC[A>C]TAGGATTACCTTTGATTATGCTGGCATTAACAGGAGACAAATCTGCATCTTTTGTGACGT-3'

ClinVar aggregate classification (germline): Benign. Review status: criteria provided, single submitter (1 of 4 stars). 2 submissions from 2 submitters: Benign (1). 1 of the submissions does not count toward it. Last evaluated 2025-12-19.

Conditions:
MPDZ-related disorder. Also called: MPDZ-related condition.

Allele frequency attached by ClinVar (database versions not stated): gnomAD 0.00009 and 0.00018; TOPMed 0.00018; gnomAD exomes 0.00022 and 0.00037; ESP Exome Variant Server 0.00025; ExAC 0.00034; 1000 Genomes Project 30x 0.00078; 1000 Genomes Project 0.00100.
gnomAD v4.1: 342 of 1,565,428 alleles (0.022%); highest among the groups gnomAD compares: East Asian, 0.31%; 2 homozygotes.

Submissions (2):

Labcorp Genetics (formerly Invitae), Labcorp
Classification: Benign. Last evaluated: 2025-12-19. Review status: criteria provided, single submitter. Criteria: Invitae Variant Classification Sherloc (09022015). Collection method: clinical testing. Allele origin: germline.

PreventionGenetics, part of Exact Sciences
Classification: Likely benign for MPDZ-related condition. Last evaluated: 2023-01-03. Review status: no assertion criteria provided. Collection method: clinical testing. Allele origin: germline. Not counted in ClinVar's aggregate classification.
Comment: This variant is classified as likely benign based on ACMG/AMP sequence variant interpretation guidelines (Richards et al. 2015 PMID: 25741868, with internal and published modifications).